The following is an entry in ClinVar:

ClinVar aggregate classification (germline): Conflicting classifications of pathogenicity. Review status: criteria provided, conflicting classifications (1 of 4 stars). 2 submissions from 2 submitters: Likely pathogenic (1); Uncertain significance (1). Last evaluated 2025-11-30.

Conditions:
NPHP3-related disorder. Also called: NPHP3-related disorders; NPHP3-related condition. Identifiers: MedGen CN379163.

Allele frequency attached by ClinVar (database versions not stated): gnomAD exomes 0.00001.
gnomAD v4.1: 6 of 1,614,158 alleles (0.00037%); highest among the groups gnomAD compares: Non-Finnish European, 0.00042%; no homozygotes.

Submissions (2):

PreventionGenetics, part of Exact Sciences
Classification: Uncertain significance for NPHP3-related condition. Last evaluated: 2025-11-30. Review status: criteria provided, single submitter. Criteria: ACMG Guidelines, 2015. Collection method: clinical testing. Allele origin: germline.
Comment: The NPHP3 c.3020T>G variant is predicted to result in the amino acid substitution p.Leu1007Arg. This variant was reported in the compound heterozygous state in an individual with nephronophthisis-related ciliopathy (Patient F1215-21 in Halbritter et al 2013. PubMed ID: 23559409). This variant was also reported in nephronophthisis cohort as causative (Table S2, König et al. 2022. PubMed ID: 36090483). This variant is reported as likely pathogenic by single submitter in ClinVar. This variant has not been reported in a large population database, indicating this variant is rare. Alternative variant at the same codon p.Leu1007Pro was reported with second NPHP3 variant in at least two individuals with nephronophthisis-related ciliopathy (Table 1, Tang et al. 2022. PubMed ID: 33323469; Table S1, Petzold et al. 2023. PubMed ID: 37230223). Although we suspect that this variant may be pathogenic, at this time, the clinical significance of this variant is uncertain due to the absence of conclusive functional and genetic evidence.

CeGaT Center for Human Genetics Tuebingen
Classification: Likely pathogenic. Last evaluated: 2023-02-01. Review status: criteria provided, single submitter. Criteria: CeGaT Center For Human Genetics Tuebingen Variant Classification Criteria Version 2. Collection method: clinical testing. Allele origin: germline. Affected: yes. Observed: 1 variant allele.
Comment: NPHP3: PM2, PM3, PM5, PP3

NM_153240.5(NPHP3):c.3020T>G (p.Leu1007Arg)

Genes: NPHP3 (nephrocystin 3; minus strand), NPHP3-ACAD11 (NPHP3-ACAD11 readthrough (NMD candidate); minus strand). Cytogenetic location: 3q22.1.
Variant type: single nucleotide variant.
Coding change: c.3020T>G on transcript NM_153240.5 (MANE Select); coding-DNA position 3020, T replaced by G.
Protein change: p.Leu1007Arg; replaces leucine 1007 with arginine.
Molecular consequence: missense variant. On other transcripts: non-coding transcript variant (1).
Genome position (GRCh38, 1-based): chr3:132,688,755, A>C on the plus strand (T>G on the coding strand, the complement: NPHP3 is on the minus strand). VCF-style: chr3-132688755-A-C. GRCh37 (hg19) VCF-style: chr3-132407599-A-C.
Other names: c.3020T>G (NM_153240.4); short protein forms L1007R.
Identifiers: ClinVar variation 2498938 (VCV002498938.29), dbSNP rs1939225674, ClinGen allele CA354579953.